The following is an entry in ClinVar:

NM_000059.4(BRCA2):c.4572T>A (p.Phe1524Leu)

Gene: BRCA2 (BRCA2 DNA repair associated; plus strand). Cytogenetic location: 13q13.1.
Variant type: single nucleotide variant.
Coding change: c.4572T>A on transcript NM_000059.4 (MANE Select); coding-DNA position 4572, T replaced by A.
Protein change: p.Phe1524Leu; replaces phenylalanine 1524 with leucine.
Molecular consequence: missense variant. On other transcripts: non-coding transcript variant (1), intron variant (2).
Genome position (GRCh38, 1-based): chr13:32,338,927, T>A. VCF-style: chr13-32338927-T-A. GRCh37 (hg19) VCF-style: chr13-32913064-T-A.
Other names: c.4572T>A, p.Phe1524Leu (NM_001406719.1, NM_001406720.1); c.1909+5540T>A (NM_001406721.1); c.425-5631T>A (NM_001406722.1); short protein forms F1524L.
Identifiers: ClinVar variation 2451500 (VCV002451500.2), dbSNP rs764341684, ClinGen allele CA387781870.

ClinVar aggregate classification (germline): Uncertain significance (1 of 4 stars; one submission).

Conditions:
Hereditary cancer-predisposing syndrome. Also called: Neoplastic Syndromes, Hereditary; Tumor predisposition; Hereditary neoplastic syndrome; Hereditary Cancer Syndrome. Identifiers: Orphanet 140162, MedGen C0027672, MeSH D009386, MONDO:0015356.

Submission:

Ambry Genetics
Classification: Uncertain significance for Hereditary cancer-predisposing syndrome. Last evaluated: 2022-12-05. Review status: criteria provided, single submitter. Criteria: Ambry Variant Classification Scheme 2023. Collection method: clinical testing. Allele origin: germline.
Comment: The p.F1524L variant (also known as c.4572T>A), located in coding exon 10 of the BRCA2 gene, results from a T to A substitution at nucleotide position 4572. The phenylalanine at codon 1524 is replaced by leucine, an amino acid with highly similar properties. This amino acid position is highly conserved in available vertebrate species. In addition, this alteration is predicted to be deleterious by in silico analysis. Since supporting evidence is limited at this time, the clinical significance of this alteration remains unclear.